The following is an entry in ClinVar:

ClinVar aggregate classification (germline): Uncertain significance (1 of 4 stars; one submission).

Conditions:
Aicardi-Goutieres syndrome 3. Identifiers: Orphanet 51, MedGen C1835916, MONDO:0012471, OMIM 610329.

Submission:

Labcorp Genetics (formerly Invitae), Labcorp
Classification: Uncertain significance for Aicardi-Goutieres syndrome 3. Last evaluated: 2024-02-05. Review status: criteria provided, single submitter. Criteria: Invitae Variant Classification Sherloc (09022015). Collection method: clinical testing. Allele origin: germline.
Comment: This sequence change replaces proline, which is neutral and non-polar, with leucine, which is neutral and non-polar, at codon 151 of the RNASEH2C protein (p.Pro151Leu). This variant is not present in population databases (gnomAD no frequency). This variant has not been reported in the literature in individuals affected with RNASEH2C-related conditions. ClinVar contains an entry for this variant (Variation ID: 1478787). An algorithm developed to predict the effect of missense changes on protein structure and function (PolyPhen-2) suggests that this variant is likely to be disruptive. In summary, the available evidence is currently insufficient to determine the role of this variant in disease. Therefore, it has been classified as a Variant of Uncertain Significance.

NM_032193.4(RNASEH2C):c.452C>T (p.Pro151Leu)

Gene: RNASEH2C (ribonuclease H2 subunit C; minus strand). Cytogenetic location: 11q13.1.
Variant type: single nucleotide variant.
Coding change: c.452C>T on transcript NM_032193.4 (MANE Select); coding-DNA position 452, C replaced by T.
Protein change: p.Pro151Leu; replaces proline 151 with leucine.
Molecular consequence: missense variant.
Genome position (GRCh38, 1-based): chr11:65,720,061, G>A on the plus strand (C>T on the coding strand, the complement: RNASEH2C is on the minus strand). VCF-style: chr11-65720061-G-A. GRCh37 (hg19) VCF-style: chr11-65487532-G-A.
Other names: short protein forms P151L.
Identifiers: ClinVar variation 1478787 (VCV001478787.8), dbSNP rs2135652204, ClinGen allele CA381297350.
Genomic context (GRCh38, chr11:65,720,061, plus strand): 5'-AGCCCATCCACCCGGGGGCAAGACGGAACTCCTCGTCTACTCACCGCTGCCGCAAGGCTG[G>A]GCCAAGTTAAGGCCCCACGCACTTTGGCATCCGGGCCAGGGATGGTCTCCAGACCCCACA-3'
Protein context (NP_115569.2, residues 141-161): DAKVRGALTW[Pro151Leu]SLAAAIHAQV